The following is an entry in ClinVar:

ClinVar aggregate classification (germline): Likely pathogenic (1 of 4 stars; one submission).

Conditions:
Cohen syndrome (COH1). Also called: Cutis verticis gyrata, retinitis pigmentosa, and sensorineural deafness; PEPPER SYNDROME. Identifiers: Orphanet 193, MedGen C0265223, MONDO:0008999, OMIM 216550.

Submission:

Labcorp Genetics (formerly Invitae), Labcorp
Classification: Likely pathogenic for Cohen syndrome. Last evaluated: 2023-10-04. Review status: criteria provided, single submitter. Criteria: Invitae Variant Classification Sherloc (09022015). Collection method: clinical testing. Allele origin: unknown.
Comment: This variant is a gross deletion of the genomic region encompassing exon(s) 18-19 of the VPS13B gene. This variant would be expected to be in-frame, preserving the integrity of the reading frame. A similar copy number variant has been observed in individual(s) with Cohen syndrome (PMID: 19533689). In summary, the currently available evidence indicates that the variant is pathogenic, but additional data are needed to prove that conclusively. Therefore, this variant has been classified as Likely Pathogenic.

Literature cited by the submitters: PubMed 19533689.

NC_000008.10:g.(?_100286406)_(100287502_?)del

Gene: VPS13B (vacuolar protein sorting 13 homolog B; plus strand). Cytogenetic location: 8q22.2.
Variant type: Deletion.
Identifiers: ClinVar variation 3245439 (VCV003245439.1).